The following is an entry in ClinVar:

NM_019885.4(CYP26B1):c.1179G>T (p.Met393Ile)

Gene: CYP26B1 (cytochrome P450 family 26 subfamily B member 1; minus strand). Cytogenetic location: 2p13.2.
Variant type: single nucleotide variant.
Coding change: c.1179G>T on transcript NM_019885.4 (MANE Select); coding-DNA position 1179, G replaced by T.
Protein change: p.Met393Ile; replaces methionine 393 with isoleucine.
Molecular consequence: missense variant.
Genome position (GRCh38, 1-based): chr2:72,132,587, C>A on the plus strand (G>T on the coding strand, the complement: CYP26B1 is on the minus strand). VCF-style: chr2-72132587-C-A. GRCh37 (hg19) VCF-style: chr2-72359716-C-A.
Other names: c.954G>T, p.Met318Ile (NM_001277742.2); short protein forms M318I, M393I.
Identifiers: ClinVar variation 691569 (VCV000691569.1), dbSNP rs1341772264, ClinGen allele CA347222499.

ClinVar aggregate classification (germline): Uncertain significance (1 of 4 stars; one submission).

Conditions:
Craniosynostosis syndrome. Also called: Craniosynostosis. Identifiers: Orphanet 1531, MedGen C0010278, MeSH D003398, MONDO:0015469, HP:0001363.

Allele frequency attached by ClinVar (database versions not stated): TOPMed below 0.00001; gnomAD 0.00001.
gnomAD v4.1: 1 of 1,611,536 alleles (0.000062%); highest among the groups gnomAD compares: Non-Finnish European, 0.000085%; no homozygotes.

Submission:

Klinisk genetik och genomik Research, Gothenburg University
Classification: Uncertain significance for Craniosynostosis. Last evaluated: 2019-06-25. Review status: criteria provided, single submitter. Criteria: ACMG Guidelines, 2015. Collection method: research. Allele origin: germline. Affected: yes. Observed: 1 variant allele.

Literature cited by the submitters: PubMed 31837199.